The following is an entry in ClinVar:

ClinVar aggregate classification (germline): Uncertain significance. Review status: criteria provided, multiple submitters, no conflicts (2 of 4 stars). 2 submissions from 2 submitters: Uncertain significance (2). Last evaluated 2026-04-24.

Conditions:
CEP290-related disorder. Also called: CEP290-related condition; CEP290-related disorders. Identifiers: MedGen CN239314.
Nephronophthisis. Also called: Juvenile Nephronophthisis. Identifiers: Orphanet 655, MedGen C0687120, MONDO:0019005, HP:0000090.
Meckel-Gruber syndrome. Also called: DYSENCEPHALIA SPLANCHNOCYSTICA; GRUBER SYNDROME; Dysencephalia splachnocystica. Identifiers: Orphanet 564, MedGen C0265215, MONDO:0018921.
Joubert syndrome. Also called: JOUBERT-BOLTSHAUSER SYNDROME; Familial aplasia of the vermis. Identifiers: Orphanet 475, MedGen C5979921, MONDO:0018772.

Allele frequency attached by ClinVar (database versions not stated): TOPMed below 0.00001.

Submissions (2):

PreventionGenetics, part of Exact Sciences
Classification: Uncertain significance for CEP290-related condition. Last evaluated: 2026-04-24. Review status: criteria provided, single submitter. Criteria: ACMG Guidelines, 2015. Collection method: clinical testing. Allele origin: germline.
Comment: The CEP290 c.6136A>G variant is predicted to result in the amino acid substitution p.Ile2046Val. To our knowledge, this variant has not been reported in the literature or in a large population database (gnomAD), indicating this variant is rare. At this time, the clinical significance of this variant is uncertain due to the absence of conclusive functional and genetic evidence.

Labcorp Genetics (formerly Invitae), Labcorp
Classification: Uncertain significance for Joubert syndrome; Meckel-Gruber syndrome; Nephronophthisis. Last evaluated: 2022-01-18. Review status: criteria provided, single submitter. Criteria: Invitae Variant Classification Sherloc (09022015). Collection method: clinical testing. Allele origin: germline.
Comment: This sequence change replaces isoleucine, which is neutral and non-polar, with valine, which is neutral and non-polar, at codon 2046 of the CEP290 protein (p.Ile2046Val). This variant is not present in population databases (gnomAD no frequency). This variant has not been reported in the literature in individuals affected with CEP290-related conditions. Algorithms developed to predict the effect of missense changes on protein structure and function (SIFT, PolyPhen-2, Align-GVGD) all suggest that this variant is likely to be tolerated. In summary, the available evidence is currently insufficient to determine the role of this variant in disease. Therefore, it has been classified as a Variant of Uncertain Significance.

NM_025114.4(CEP290):c.6136A>G (p.Ile2046Val)

Gene: CEP290 (centrosomal protein 290; minus strand). Cytogenetic location: 12q21.32.
Variant type: single nucleotide variant.
Coding change: c.6136A>G on transcript NM_025114.4 (MANE Select); coding-DNA position 6136, A replaced by G.
Protein change: p.Ile2046Val; replaces isoleucine 2046 with valine.
Molecular consequence: missense variant.
Genome position (GRCh38, 1-based): chr12:88,064,115, T>C on the plus strand (A>G on the coding strand, the complement: CEP290 is on the minus strand). VCF-style: chr12-88064115-T-C. GRCh37 (hg19) VCF-style: chr12-88457892-T-C.
Other names: c.6136A>G (NM_025114.3); short protein forms I2046V.
Identifiers: ClinVar variation 2188328 (VCV002188328.2), dbSNP rs2034703407, ClinGen allele CA385980058.